The following is an entry in ClinVar:

ClinVar aggregate classification (germline): Conflicting classifications of pathogenicity. Review status: criteria provided, conflicting classifications (1 of 4 stars). 2 submissions from 2 submitters: Uncertain significance (1); Likely benign (1). Last evaluated 2024-11-30.

Allele frequency attached by ClinVar (database versions not stated): ExAC 0.00002.
gnomAD v4.1: 9 of 1,613,760 alleles (0.00056%); highest among the groups gnomAD compares: Non-Finnish European, 0.00076%; no homozygotes.

Submissions (2):

Labcorp Genetics (formerly Invitae), Labcorp
Classification: Uncertain significance. Last evaluated: 2024-11-30. Review status: criteria provided, single submitter. Criteria: Invitae Variant Classification Sherloc (09022015). Collection method: clinical testing. Allele origin: germline.
Comment: This sequence change replaces proline, which is neutral and non-polar, with arginine, which is basic and polar, at codon 1418 of the SRCAP protein (p.Pro1418Arg). This variant is present in population databases (rs749289336, gnomAD 0.003%). This variant has not been reported in the literature in individuals affected with SRCAP-related conditions. ClinVar contains an entry for this variant (Variation ID: 2984164). Invitae Evidence Modeling of protein sequence and biophysical properties (such as structural, functional, and spatial information, amino acid conservation, physicochemical variation, residue mobility, and thermodynamic stability) indicates that this missense variant is not expected to disrupt SRCAP protein function with a negative predictive value of 80%. In summary, the available evidence is currently insufficient to determine the role of this variant in disease. Therefore, it has been classified as a Variant of Uncertain Significance.

Blueprint Genetics
Classification: Likely benign. Last evaluated: 2023-08-22. Review status: criteria provided, single submitter. Criteria: ACMG Guidelines, 2015. Collection method: clinical testing. Allele origin: germline.

NM_006662.3(SRCAP):c.4253C>G (p.Pro1418Arg)

Gene: SRCAP (Snf2 related CREBBP activator protein; plus strand). Cytogenetic location: 16p11.2.
Variant type: single nucleotide variant.
Coding change: c.4253C>G on transcript NM_006662.3 (MANE Select); coding-DNA position 4253, C replaced by G.
Protein change: p.Pro1418Arg; replaces proline 1418 with arginine.
Molecular consequence: missense variant.
Genome position (GRCh38, 1-based): chr16:30,723,677, C>G. VCF-style: chr16-30723677-C-G. GRCh37 (hg19) VCF-style: chr16-30734998-C-G.
Other names: short protein forms P1418R.
Identifiers: ClinVar variation 2984164 (VCV002984164.4), dbSNP rs749289336, ClinGen allele CA8011713.
Genomic context (GRCh38, chr16:30,723,677, plus strand): 5'-CTTCTCCTCTCCACGTGCCATCCTCCCTCCCTGGGCCAGCCTCTTCTCCAATGCCAATTC[C>G]CAACTCCTCTCCCCTTGCTAGTCCTGTGTCCTCTACAGTCTCAGTTCCATTGTCATCTTC-3'
Protein context (NP_006653.2, residues 1408-1428): PGPASSPMPI[Pro1418Arg]NSSPLASPVS